The following is an entry in ClinVar:

ClinVar aggregate classification (germline): Uncertain significance. Review status: criteria provided, multiple submitters, no conflicts (2 of 4 stars). 2 submissions from 2 submitters: Uncertain significance (2). Last evaluated 2025-01-09.

Allele frequency attached by ClinVar (database versions not stated): ExAC 0.00002; gnomAD 0.00003; ESP Exome Variant Server 0.00008.
gnomAD v4.1: 155 of 1,613,494 alleles (0.0096%); highest among the groups gnomAD compares: Non-Finnish European, 0.013%; no homozygotes.

Submissions (2):

Ambry Genetics
Classification: Uncertain significance. Last evaluated: 2025-01-09. Review status: criteria provided, single submitter. Criteria: Ambry Variant Classification Scheme 2023. Collection method: clinical testing. Allele origin: germline.

Labcorp Genetics (formerly Invitae), Labcorp
Classification: Uncertain significance. Last evaluated: 2022-07-21. Review status: criteria provided, single submitter. Criteria: Invitae Variant Classification Sherloc (09022015). Collection method: clinical testing. Allele origin: germline.
Comment: In summary, the available evidence is currently insufficient to determine the role of this variant in disease. Therefore, it has been classified as a Variant of Uncertain Significance. Algorithms developed to predict the effect of missense changes on protein structure and function are either unavailable or do not agree on the potential impact of this missense change (SIFT: "Deleterious"; PolyPhen-2: "Probably Damaging"; Align-GVGD: "Class C0"). This variant has not been reported in the literature in individuals affected with SLIT2-related conditions. This variant is present in population databases (rs370243090, gnomAD 0.004%). This sequence change replaces proline, which is neutral and non-polar, with alanine, which is neutral and non-polar, at codon 299 of the SLIT2 protein (p.Pro299Ala).

NM_004787.4(SLIT2):c.895C>G (p.Pro299Ala)

Gene: SLIT2 (slit guidance ligand 2; plus strand). Cytogenetic location: 4p15.31.
Variant type: single nucleotide variant.
Coding change: c.895C>G on transcript NM_004787.4 (MANE Select); coding-DNA position 895, C replaced by G.
Protein change: p.Pro299Ala; replaces proline 299 with alanine.
Molecular consequence: missense variant.
Genome position (GRCh38, 1-based): chr4:20,491,880, C>G. VCF-style: chr4-20491880-C-G. GRCh37 (hg19) VCF-style: chr4-20493503-C-G.
Other names: c.907C>G, p.Pro303Ala (NM_001289135.3); c.895C>G, p.Pro299Ala (NM_001289136.3); c.895C>G (NM_004787.1); short protein forms P299A, P303A.
Identifiers: ClinVar variation 2136750 (VCV002136750.5), dbSNP rs370243090, ClinGen allele CA2871245.